The following is an entry in ClinVar:

ClinVar aggregate classification (germline): Uncertain significance (1 of 4 stars; one submission).

Conditions:
Familial thoracic aortic aneurysm and aortic dissection (TAAD). Also called: Thoracic aortic aneurysms and dissections. Identifiers: Orphanet 91387, MedGen C4707243, MONDO:0019625.

Submission:

Color Diagnostics, LLC DBA Color Health
Classification: Uncertain significance for Familial thoracic aortic aneurysm and aortic dissection. Last evaluated: 2025-07-07. Review status: criteria provided, single submitter. Criteria: ACMG Guidelines, 2015. Collection method: clinical testing. Allele origin: germline.
Comment: This missense variant replaces tyrosine with aspartic acid at codon 93 of the ACTA2 protein. Computational prediction suggests that this variant may have deleterious impact on protein structure and function. To our knowledge, functional studies have not been reported for this variant. This variant has not been reported in individuals affected with ACTA2-related disorders in the literature. This variant has not been identified in the general population by the Genome Aggregation Database (gnomAD). The available evidence is insufficient to determine the role of this variant in disease conclusively. Therefore, this variant is classified as a Variant of Uncertain Significance.

NM_001613.4(ACTA2):c.277T>G (p.Tyr93Asp)

Gene: ACTA2 (actin alpha 2, smooth muscle; minus strand). Cytogenetic location: 10q23.31.
Variant type: single nucleotide variant.
Coding change: c.277T>G on transcript NM_001613.4 (MANE Select); coding-DNA position 277, T replaced by G.
Protein change: p.Tyr93Asp; replaces tyrosine 93 with aspartic acid.
Molecular consequence: missense variant. On other transcripts: intron variant (1).
Genome position (GRCh38, 1-based): chr10:88,943,889, A>C on the plus strand (T>G on the coding strand, the complement: ACTA2 is on the minus strand). VCF-style: chr10-88943889-A-C. GRCh37 (hg19) VCF-style: chr10-90703646-A-C.
Other names: c.277T>G, p.Tyr93Asp (NM_001141945.3, NM_001320855.2, NM_001406462.1 and 3 more transcripts); c.148T>G, p.Tyr50Asp (NM_001406467.1, NM_001406468.1, NM_001406469.1); c.259-2020T>G (NM_001406466.1); short protein forms Y50D, Y93D.
Identifiers: ClinVar variation 4757515 (VCV004757515.1).